The following is an entry in ClinVar:

NM_000135.4(FANCA):c.1294del (p.Leu432fs)

Gene: FANCA (FA complementation group A; minus strand). Cytogenetic location: 16q24.3.
Variant type: Deletion.
Coding change: c.1294del on transcript NM_000135.4 (MANE Select); coding-DNA position 1294, one base deleted (C; older notation c.1294delC).
Protein change: p.Leu432fs; shifts the reading frame from leucine 432.
Molecular consequence: frameshift variant.
Genome position (GRCh38, 1-based): chr16:89,791,468, G deleted on the plus strand (C on the coding strand, the reverse complement: FANCA is on the minus strand); the first of 2 consecutive G bases (chr16:89,791,468-89,791,469); deleting either gives the same sequence. VCF-style (leftmost placement, unchanged base first): chr16-89791467-AG-A. GRCh37 (hg19) VCF-style: chr16-89857875-AG-A.
Other names: c.1294del, p.Leu432fs (NM_001286167.3); c.1294delC (NM_000135.3); short protein forms L432fs.
Identifiers: ClinVar variation 1072568 (VCV001072568.17), dbSNP rs1211579979, ClinGen allele CA624261638.

ClinVar aggregate classification (germline): Pathogenic/Likely pathogenic. Review status: criteria provided, multiple submitters, no conflicts (2 of 4 stars). 6 submissions from 6 submitters: Pathogenic (4); Likely pathogenic (2). Last evaluated 2025-09-09.

Conditions:
Fanconi anemia (FA). Also called: Fanconi's anemia. Identifiers: Orphanet 84, MedGen C0015625, MeSH D005199, MONDO:0019391.
Fanconi anemia complementation group A (FANCA). Also called: FANCA-Related Fanconi Anemia; Fanconi anemia, group A. Identifiers: Orphanet 84, MedGen C3469521, MONDO:0009215, OMIM 227650.

Submissions (6):

Natera, Inc.
Classification: Likely pathogenic for Fanconi anemia. Last evaluated: 2025-09-09. Review status: criteria provided, single submitter. Criteria: Natera Variant Classification Schema (03/2026). Collection method: clinical testing. Allele origin: germline.
Comment: The c.1294delC variant in FANCA is a frameshift variant predicted to shift the reading frame beginning at codon 432 and leads to a stop codon 94 codons downstream. This variant is expected to result in nonsense mediated decay, truncation, or a dysfunctional protein product. This variant is rare in the general population with a frequency below the threshold expected for the associated phenotype(s). Given the available evidence, this variant is classified as Likely Pathogenic.

St. Jude Molecular Pathology, St. Jude Children's Research Hospital
Classification: Pathogenic for Fanconi anemia complementation group A. Last evaluated: 2024-02-24. Review status: criteria provided, single submitter. Criteria: St. Jude Assertion Criteria 2020. Collection method: clinical testing. Allele origin: germline. Affected: yes.
Comment: The FANCA c.1294del (p.Leu432TrpfsTer94) change deletes one nucleotide in exon 14 of the FANCA gene to cause a frameshift of the protein-coding sequence and the creation of a premature stop codon. This change is predicted to cause protein truncation or absence of protein due to nonsense-mediated decay. Loss-of-function variants in FANCA are known to be pathogenic (PMID: 19367192). This variant has an overall frequency of 0.0080%% in gnomAD v2.1.1. In summary, this variant meets criteria to be classified as pathogenic.

Labcorp Genetics (formerly Invitae), Labcorp
Classification: Pathogenic for Fanconi anemia. Last evaluated: 2023-09-20. Review status: criteria provided, single submitter. Criteria: Invitae Variant Classification Sherloc (09022015). Collection method: clinical testing. Allele origin: germline.
Comment: For these reasons, this variant has been classified as Pathogenic. This sequence change creates a premature translational stop signal (p.Leu432Trpfs*94) in the FANCA gene. It is expected to result in an absent or disrupted protein product. Loss-of-function variants in FANCA are known to be pathogenic (PMID: 19367192). This variant is present in population databases (no rsID available, gnomAD 0.008%). This variant has not been reported in the literature in individuals affected with FANCA-related conditions. ClinVar contains an entry for this variant (Variation ID: 1072568).

Fulgent Genetics
Classification: Likely pathogenic for Fanconi anemia complementation group A. Last evaluated: 2021-12-30. Review status: criteria provided, single submitter. Criteria: ACMG Guidelines, 2015. Collection method: clinical testing. Allele origin: unknown.

Genetic Services Laboratory, University of Chicago
Classification: Pathogenic. Last evaluated: 2019-08-07. Review status: criteria provided, single submitter. Criteria: ACMG Guidelines, 2015. Collection method: clinical testing. Allele origin: germline. Affected: yes.
Comment: DNA sequence analysis of the FANCA gene demonstrated a single base pair deletion in exon 14, c.1294del. This pathogenic sequence change results in an amino acid frameshift and creates a premature stop codon 93 amino acids downstream of the mutation, p.Leu432Trpfs*94. This pathogenic sequence change is predicted to result in an abnormal transcript, which may be degraded, or may lead to the production of a truncated FANCA protein with potentially abnormal function.

Revvity Omics, Revvity
Classification: Pathogenic for Fanconi anemia complementation group A. Last evaluated: 2019-06-10. Review status: criteria provided, single submitter. Criteria: ACMG Guidelines, 2015. Collection method: clinical testing. Allele origin: germline.

Literature cited by the submitters: PubMed 19367192 (cited by Labcorp Genetics (formerly Invitae), Labcorp).